The following is an entry in ClinVar:

NM_018474.6(KIZ):c.1206G>A (p.Met402Ile)

Gene: KIZ (kizuna centrosomal protein; plus strand). Cytogenetic location: 20p11.23.
Variant type: single nucleotide variant.
Coding change: c.1206G>A on transcript NM_018474.6 (MANE Select); coding-DNA position 1206, G replaced by A.
Protein change: p.Met402Ile; replaces methionine 402 with isoleucine.
Molecular consequence: missense variant.
Genome position (GRCh38, 1-based): chr20:21,163,013, G>A. VCF-style: chr20-21163013-G-A. GRCh37 (hg19) VCF-style: chr20-21143654-G-A.
Other names: c.1206G>A (NM_018474.5); c.897G>A, p.Met299Ile (NM_001163022.3, NM_001352435.2); c.807G>A, p.Met269Ile (NM_001163023.3); c.1059G>A, p.Met353Ile (NM_001276389.2); c.1206G>A, p.Met402Ile (NM_001352434.2); c.864G>A, p.Met288Ile (NM_001352436.2); short protein forms M288I, M299I, M402I, M269I, M353I.
Identifiers: ClinVar variation 4944551 (VCV004944551.2).

ClinVar aggregate classification (germline): Uncertain significance. Review status: criteria provided, multiple submitters, no conflicts (2 of 4 stars). 2 submissions from 2 submitters: Uncertain significance (2). Last evaluated 2026-03-27.

Conditions:
KIZ-related disorder. Also called: KIZ-related condition.

gnomAD v4.1: 21 of 1,613,914 alleles (0.0013%); highest among the groups gnomAD compares: Non-Finnish European, 0.0016%; no homozygotes.

Submissions (2):

PreventionGenetics, part of Exact Sciences
Classification: Uncertain significance for KIZ-related condition. Last evaluated: 2026-03-27. Review status: criteria provided, single submitter. Criteria: ACMG Guidelines, 2015. Collection method: clinical testing. Allele origin: germline.
Comment: The KIZ c.1206G>A variant is predicted to result in the amino acid substitution p.Met402Ile. To our knowledge, this variant has not been reported in the literature. This variant is reported in 0.00089% of alleles in individuals of European (Non-Finnish) descent in gnomAD. At this time, the clinical significance of this variant is uncertain due to the absence of conclusive functional and genetic evidence.

Blueprint Genetics
Classification: Uncertain significance. Last evaluated: 2019-05-21. Review status: criteria provided, single submitter. Criteria: ACMG Guidelines, 2015. Collection method: clinical testing. Allele origin: germline.